The following is an entry in ClinVar:

NM_001734.5(C1S):c.37G>T (p.Val13Phe)

Gene: C1S (complement C1s; plus strand). Cytogenetic location: 12p13.31.
Variant type: single nucleotide variant.
Coding change: c.37G>T on transcript NM_001734.5 (MANE Select); coding-DNA position 37, G replaced by T.
Protein change: p.Val13Phe; replaces valine 13 with phenylalanine.
Molecular consequence: missense variant. On other transcripts: intron variant (1).
Genome position (GRCh38, 1-based): chr12:7,062,506, G>T. VCF-style: chr12-7062506-G-T. GRCh37 (hg19) VCF-style: chr12-7169810-G-T.
Other names: c.37G>T, p.Val13Phe (NM_201442.4); c.-288-384G>T (NM_001346850.2); short protein forms V13F.
Identifiers: ClinVar variation 2831902 (VCV002831902.3), dbSNP rs2539592967, ClinGen allele CA383687456.

ClinVar aggregate classification (germline): Uncertain significance (1 of 4 stars; one submission).

Allele frequency attached by ClinVar (database versions not stated): gnomAD exomes below 0.00001.
gnomAD v4.1: 1 of 1,613,494 alleles (0.000062%); highest among the groups gnomAD compares: Non-Finnish European, 0.000085%; no homozygotes.

Submission:

Labcorp Genetics (formerly Invitae), Labcorp
Classification: Uncertain significance. Last evaluated: 2023-01-25. Review status: criteria provided, single submitter. Criteria: Invitae Variant Classification Sherloc (09022015). Collection method: clinical testing. Allele origin: germline.
Comment: This variant has not been reported in the literature in individuals affected with C1S-related conditions. This variant is not present in population databases (gnomAD no frequency). This sequence change replaces valine, which is neutral and non-polar, with phenylalanine, which is neutral and non-polar, at codon 13 of the C1S protein (p.Val13Phe). In summary, the available evidence is currently insufficient to determine the role of this variant in disease. Therefore, it has been classified as a Variant of Uncertain Significance. Algorithms developed to predict the effect of missense changes on protein structure and function output the following: SIFT: "Tolerated"; PolyPhen-2: "Benign"; Align-GVGD: "Class C0". The phenylalanine amino acid residue is found in multiple mammalian species, which suggests that this missense change does not adversely affect protein function.